The following is an entry in ClinVar:

NM_004525.3(LRP2):c.2376T>C (p.Asp792=)

Gene: LRP2 (LDL receptor related protein 2; minus strand). Cytogenetic location: 2q31.1.
Variant type: single nucleotide variant.
Coding change: c.2376T>C on transcript NM_004525.3 (MANE Select); coding-DNA position 2376, T replaced by C.
Protein change: p.Asp792=; no amino-acid change (aspartic acid 792 retained).
Molecular consequence: synonymous variant.
Genome position (GRCh38, 1-based): chr2:169,259,162, A>G on the plus strand (T>C on the coding strand, the complement: LRP2 is on the minus strand). VCF-style: chr2-169259162-A-G. GRCh37 (hg19) VCF-style: chr2-170115672-A-G.
Other names: p.Asp792=.
Identifiers: ClinVar variation 129509 (VCV000129509.22), dbSNP rs33954745, ClinGen allele CA153566.

ClinVar aggregate classification (germline): Benign. Review status: criteria provided, multiple submitters, no conflicts (2 of 4 stars). 8 submissions from 8 submitters: Benign (7). 1 of the submissions does not count toward it. Last evaluated 2026-02-04.

Conditions:
Donnai-Barrow syndrome. Also called: DBS/FOAR SYNDROME; FACIOOCULOACOUSTICORENAL SYNDROME. Identifiers: Orphanet 2143, MedGen C1857277, MONDO:0009104, OMIM 222448.

Allele frequency attached by ClinVar (database versions not stated): gnomAD exomes 0.06958 and 0.07549; ExAC 0.07174; 1000 Genomes Project 0.07628; 1000 Genomes Project 30x 0.07792; gnomAD 0.08944 and 0.09210; TOPMed 0.09569; ESP Exome Variant Server 0.10049.
gnomAD v4.1: 124,099 of 1,613,034 alleles (7.7%); highest among the groups gnomAD compares: African/African-American, 14%; 5,266 homozygotes.

Submissions (8):

Labcorp Genetics (formerly Invitae), Labcorp
Classification: Benign. Last evaluated: 2026-02-04. Review status: criteria provided, single submitter. Criteria: Invitae Variant Classification Sherloc (09022015). Collection method: clinical testing. Allele origin: germline.

Mayo Clinic Laboratories, Mayo Clinic
Classification: Benign. Last evaluated: 2022-11-10. Review status: criteria provided, single submitter. Criteria: ACMG Guidelines, 2015. Collection method: clinical testing. Allele origin: germline. Observed: 20 variant alleles.

Genome-Nilou Lab
Classification: Benign for Donnai-Barrow syndrome. Last evaluated: 2021-07-15. Review status: criteria provided, single submitter. Criteria: ACMG Guidelines, 2015. Collection method: clinical testing. Allele origin: germline. Affected: no.

GeneDx
Classification: Benign. Last evaluated: 2019-08-20. Review status: criteria provided, single submitter. Criteria: GeneDx Variant Classification Process June 2021. Collection method: clinical testing. Allele origin: germline. Affected: yes.

Illumina Laboratory Services, Illumina
Classification: Benign for Donnai-Barrow syndrome. Last evaluated: 2018-01-13. Review status: criteria provided, single submitter. Criteria: ICSL Variant Classification Criteria 13 December 2019. Collection method: clinical testing. Allele origin: germline.
Comment: This variant was observed in the ICSL laboratory as part of a predisposition screen in an ostensibly healthy population. It had not been previously curated by ICSL or reported in the Human Gene Mutation Database (HGMD: prior to June 1st, 2018), and was therefore a candidate for classification through an automated scoring system. Utilizing variant allele frequency, disease prevalence and penetrance estimates, and inheritance mode, an automated score was calculated to assess if this variant is too frequent to cause the disease. Based on the score and internal cut-off values, a variant classified as benign is not then subjected to further curation. The score for this variant resulted in a classification of benign for this disease.

Breakthrough Genomics
Classification: Benign. Review status: criteria provided, single submitter. Criteria: ACMG Guidelines, 2015. Collection method: not provided. Allele origin: germline. Inheritance: Autosomal recessive inheritance. Affected: yes.

PreventionGenetics, part of Exact Sciences
Classification: Benign. Review status: criteria provided, single submitter. Criteria: ACMG Guidelines, 2015. Collection method: clinical testing. Allele origin: germline.

Genetic Services Laboratory, University of Chicago
Classification: Likely benign for AllHighlyPenetrant. Review status: no assertion criteria provided. Collection method: clinical testing. Allele origin: germline. Inheritance: Autosomal recessive inheritance. Not counted in ClinVar's aggregate classification.
Comment: Likely benign based on allele frequency in 1000 Genomes Project or ESP global frequency and its presence in a patient with a rare or unrelated disease phenotype. NOT Sanger confirmed.